The following is an entry in ClinVar:

ClinVar aggregate classification (germline): Pathogenic/Likely pathogenic. Review status: criteria provided, multiple submitters, no conflicts (2 of 4 stars). 2 submissions from 2 submitters: Pathogenic (1); Likely pathogenic (1). Last evaluated 2021-10-28.

Conditions:
X-linked Alport syndrome (ATS1). Also called: COL4A5-Related Nephropathy; NEPHROPATHY AND DEAFNESS, X-LINKED. Identifiers: Orphanet 63, Orphanet 88917, MedGen C4746986, MONDO:0010520, OMIM 301050.

Submissions (2):

MGZ Medical Genetics Center
Classification: Likely pathogenic for X-linked Alport syndrome. Last evaluated: 2021-10-28. Review status: criteria provided, single submitter. Criteria: ACMG Guidelines, 2015. Collection method: clinical testing. Allele origin: germline. Affected: yes. Observed: 1 variant allele.
Comment: ACMG criteria applied: PVS1, PM2_SUP

Athena Diagnostics
Classification: Pathogenic. Last evaluated: 2017-09-28. Review status: criteria provided, single submitter. Criteria: Athena Diagnostics Criteria. Collection method: clinical testing. Allele origin: germline.

NM_033380.3(COL4A5):c.3585del (p.Gly1196fs)

Gene: COL4A5 (collagen type IV alpha 5 chain; plus strand). Cytogenetic location: Xq22.3.
Variant type: Deletion.
Coding change: c.3585del on transcript NM_033380.3 (MANE Select); coding-DNA position 3585, one base deleted (T; older notation c.3585delT).
Protein change: p.Gly1196fs; shifts the reading frame from glycine 1196.
Molecular consequence: frameshift variant.
Genome position (GRCh38, 1-based): chrX:108,667,164, T deleted. VCF-style (leftmost placement, unchanged base first): chrX-108667163-CT-C. GRCh37 (hg19) VCF-style: chrX-107910393-CT-C.
Other names: c.3585del, p.Gly1196fs (NM_000495.5); short protein forms G1196fs.
Identifiers: ClinVar variation 585543 (VCV000585543.3), dbSNP rs1569505604, ClinGen allele CA891843681.